The following is an entry in ClinVar:

NM_003114.5(SPAG1):c.239C>T (p.Pro80Leu)

Gene: SPAG1 (sperm associated antigen 1; plus strand). Cytogenetic location: 8q22.2.
Variant type: single nucleotide variant.
Coding change: c.239C>T on transcript NM_003114.5 (MANE Select); coding-DNA position 239, C replaced by T.
Protein change: p.Pro80Leu; replaces proline 80 with leucine.
Molecular consequence: missense variant.
Genome position (GRCh38, 1-based): chr8:100,165,912, C>T. VCF-style: chr8-100165912-C-T. GRCh37 (hg19) VCF-style: chr8-101178140-C-T.
Other names: c.239C>T, p.Pro80Leu (NM_001374321.1, NM_172218.3); short protein forms P80L.
Identifiers: ClinVar variation 959785 (VCV000959785.7), dbSNP rs144464217, ClinGen allele CA4827201.
Genomic context (GRCh38, chr8:100,165,912, plus strand): 5'-TTTGTGAAAAGCATCTTCAAGCCTTGGCCCCTGAAAGCAGAGCTTTGAGGAAAGATAAAC[C>T]AGCAGCAACAGCAGCCAGTTTTACAGCTGAAGAATGGGAAAAAATTGATGGTGATATAAA-3'
Protein context (NP_003105.2, residues 70-90): PESRALRKDK[Pro80Leu]AATAASFTAE

ClinVar aggregate classification (germline): Uncertain significance (1 of 4 stars; one submission).

Conditions:
Primary ciliary dyskinesia 28. Also called: CILIARY DYSKINESIA, PRIMARY, 28, WITH OR WITHOUT SITUS INVERSUS. Identifiers: Orphanet 244, MedGen C3809706, MONDO:0014216, OMIM 615505.

Allele frequency attached by ClinVar (database versions not stated): gnomAD exomes 0.00001 and 0.00003; ExAC 0.00003; gnomAD 0.00006 and 0.00007; ESP Exome Variant Server 0.00008; TOPMed 0.00010.
gnomAD v4.1: 25 of 1,614,002 alleles (0.0015%); highest among the groups gnomAD compares: African/African-American, 0.019%; no homozygotes.

Submission:

Labcorp Genetics (formerly Invitae), Labcorp
Classification: Uncertain significance for Primary ciliary dyskinesia 28. Last evaluated: 2022-08-09. Review status: criteria provided, single submitter. Criteria: Invitae Variant Classification Sherloc (09022015). Collection method: clinical testing. Allele origin: germline.
Comment: This sequence change replaces proline, which is neutral and non-polar, with leucine, which is neutral and non-polar, at codon 80 of the SPAG1 protein (p.Pro80Leu). This variant is present in population databases (rs144464217, gnomAD 0.02%). This variant has not been reported in the literature in individuals affected with SPAG1-related conditions. ClinVar contains an entry for this variant (Variation ID: 959785). Algorithms developed to predict the effect of missense changes on protein structure and function are either unavailable or do not agree on the potential impact of this missense change (SIFT: "Deleterious"; PolyPhen-2: "Probably Damaging"; Align-GVGD: "Class C0"). In summary, the available evidence is currently insufficient to determine the role of this variant in disease. Therefore, it has been classified as a Variant of Uncertain Significance.